The following is an entry in ClinVar:

NM_004586.3(RPS6KA3):c.736A>G (p.Thr246Ala)

Gene: RPS6KA3 (ribosomal protein S6 kinase A3; minus strand). Cytogenetic location: Xp22.12.
Variant type: single nucleotide variant.
Coding change: c.736A>G on transcript NM_004586.3 (MANE Select); coding-DNA position 736, A replaced by G.
Protein change: p.Thr246Ala; replaces threonine 246 with alanine.
Molecular consequence: missense variant.
Genome position (GRCh38, 1-based): chrX:20,187,866, T>C on the plus strand (A>G on the coding strand, the complement: RPS6KA3 is on the minus strand). VCF-style: chrX-20187866-T-C. GRCh37 (hg19) VCF-style: chrX-20205984-T-C.
Other names: short protein forms T246A.
Identifiers: ClinVar variation 2401294 (VCV002401294.5), dbSNP rs201276916, ClinGen allele CA327475780.

ClinVar aggregate classification (germline): Uncertain significance. Review status: criteria provided, multiple submitters, no conflicts (2 of 4 stars). 3 submissions from 3 submitters: Uncertain significance (3). Last evaluated 2024-12-13.

Conditions:
Inborn genetic diseases. Identifiers: MedGen C0950123, MeSH D030342.
RPS6KA3-related disorder. Also called: RPS6KA3-related condition.
Intellectual developmental disorder, X-linked 19. Also called: Intellectual disability, X-linked 19. Identifiers: Orphanet 777, MedGen C0796225, MONDO:0010447, OMIM 300844.
Coffin-Lowry syndrome (CLS). Also called: COFFIN-LOWRY SYNDROME, MILD; Mental retardation with osteocartilaginous abnormalities. Identifiers: Orphanet 192, MedGen C0265252, MONDO:0010561, OMIM 303600.

Allele frequency attached by ClinVar (database versions not stated): TOPMed below 0.00001; gnomAD exomes 0.00001; gnomAD 0.00002; 1000 Genomes Project 30x 0.00021; 1000 Genomes Project 0.00026.
gnomAD v4.1: 8 of 1,206,674 alleles (0.00066%); highest among the groups gnomAD compares: Middle Eastern, 0.046%; no homozygotes.

Submissions (3):

PreventionGenetics, part of Exact Sciences
Classification: Uncertain significance for RPS6KA3-related condition. Last evaluated: 2024-12-13. Review status: criteria provided, single submitter. Criteria: ACMG Guidelines, 2015. Collection method: clinical testing. Allele origin: germline.
Comment: The RPS6KA3 c.736A>G variant is predicted to result in the amino acid substitution p.Thr246Ala. To our knowledge, this variant has not been reported in the literature or in a large population database (gnomAD), indicating this variant is rare. At this time, the clinical significance of this variant is uncertain due to the absence of conclusive functional and genetic evidence.

Labcorp Genetics (formerly Invitae), Labcorp
Classification: Uncertain significance for Coffin-Lowry syndrome; Intellectual developmental disorder, X-linked 19. Last evaluated: 2024-12-04. Review status: criteria provided, single submitter. Criteria: Invitae Variant Classification Sherloc (09022015). Collection method: clinical testing. Allele origin: germline.
Comment: This sequence change replaces threonine, which is neutral and polar, with alanine, which is neutral and non-polar, at codon 246 of the RPS6KA3 protein (p.Thr246Ala). This variant is not present in population databases (gnomAD no frequency). This variant has not been reported in the literature in individuals affected with RPS6KA3-related conditions. ClinVar contains an entry for this variant (Variation ID: 2401294). Invitae Evidence Modeling of protein sequence and biophysical properties (such as structural, functional, and spatial information, amino acid conservation, physicochemical variation, residue mobility, and thermodynamic stability) indicates that this missense variant is not expected to disrupt RPS6KA3 protein function with a negative predictive value of 80%. In summary, the available evidence is currently insufficient to determine the role of this variant in disease. Therefore, it has been classified as a Variant of Uncertain Significance.

Ambry Genetics
Classification: Uncertain significance for Inborn genetic diseases. Last evaluated: 2022-03-23. Review status: criteria provided, single submitter. Criteria: Ambry Variant Classification Scheme 2023. Collection method: clinical testing. Allele origin: germline.